The following is an entry in ClinVar:

ClinVar aggregate classification (germline): Likely benign. Review status: criteria provided, multiple submitters, no conflicts (2 of 4 stars). 3 submissions from 3 submitters: Likely benign (3). Last evaluated 2025-12-15.

Conditions:
Fraser syndrome 1 (FRASRS1). Also called: CRYPTOPHTHALMOS WITH OTHER MALFORMATIONS. Identifiers: Orphanet 2052, MedGen C4551480, MONDO:0054737, OMIM 219000.
FRAS1-related disorder. Also called: FRAS1-related condition.

Allele frequency attached by ClinVar (database versions not stated): 1000 Genomes Project 30x 0.00031; 1000 Genomes Project 0.00040.
gnomAD v4.1: 117 of 1,613,842 alleles (0.0072%); highest among the groups gnomAD compares: African/African-American, 0.13%; no homozygotes.

Submissions (3):

Labcorp Genetics (formerly Invitae), Labcorp
Classification: Likely benign. Last evaluated: 2025-12-15. Review status: criteria provided, single submitter. Criteria: Invitae Variant Classification Sherloc (09022015). Collection method: clinical testing. Allele origin: germline.

PreventionGenetics, part of Exact Sciences
Classification: Likely benign for FRAS1-related condition. Last evaluated: 2024-11-16. Review status: criteria provided, single submitter. Criteria: ACMG Guidelines, 2015. Collection method: clinical testing. Allele origin: germline.
Comment: This variant is classified as likely benign based on ACMG/AMP sequence variant interpretation guidelines (Richards et al. 2015 PMID: 25741868, with internal and published modifications).

Fulgent Genetics
Classification: Likely benign for Fraser syndrome 1. Last evaluated: 2022-03-02. Review status: criteria provided, single submitter. Criteria: ACMG Guidelines, 2015. Collection method: clinical testing. Allele origin: unknown.

NM_025074.7(FRAS1):c.2313G>A (p.Pro771=)

Gene: FRAS1 (Fraser extracellular matrix complex subunit 1; plus strand). Cytogenetic location: 4q21.21.
Variant type: single nucleotide variant.
Coding change: c.2313G>A on transcript NM_025074.7 (MANE Select); coding-DNA position 2313, G replaced by A.
Protein change: p.Pro771=; no amino-acid change (proline 771 retained).
Molecular consequence: synonymous variant.
Genome position (GRCh38, 1-based): chr4:78,337,708, G>A. VCF-style: chr4-78337708-G-A. GRCh37 (hg19) VCF-style: chr4-79258862-G-A.
Other names: c.2313G>A, p.Pro771= (NM_001166133.2).
Identifiers: ClinVar variation 735512 (VCV000735512.12), dbSNP rs396790, ClinGen allele CA2976612.